The following is an entry in ClinVar:

ClinVar aggregate classification (germline): Uncertain significance. Review status: criteria provided, multiple submitters, no conflicts (2 of 4 stars). 2 submissions from 2 submitters: Uncertain significance (2). Last evaluated 2025-11-20.

Conditions:
Xanthinuria type II. Also called: Xanthine dehydrogenase and aldehyde oxidase combined deficiency of; XDH and AOX dual deficiency. Identifiers: Orphanet 3467, Orphanet 93602, MedGen C1863688, MONDO:0011346, OMIM 603592.

Allele frequency attached by ClinVar (database versions not stated): gnomAD exomes below 0.00001.
gnomAD v4.1: 5 of 1,247,818 alleles (0.0004%); highest among the groups gnomAD compares: Admixed American, 0.02%; no homozygotes.

Submissions (2):

Ambry Genetics
Classification: Uncertain significance. Last evaluated: 2025-11-20. Review status: criteria provided, single submitter. Criteria: Ambry Variant Classification Scheme 2023. Collection method: clinical testing. Allele origin: germline.

Labcorp Genetics (formerly Invitae), Labcorp
Classification: Uncertain significance for Xanthinuria type II. Last evaluated: 2024-12-02. Review status: criteria provided, single submitter. Criteria: Invitae Variant Classification Sherloc (09022015). Collection method: clinical testing. Allele origin: germline.
Comment: This sequence change replaces alanine, which is neutral and non-polar, with valine, which is neutral and non-polar, at codon 16 of the MOCOS protein (p.Ala16Val). This variant is present in population databases (rs748966814, gnomAD 0.06%). This variant has not been reported in the literature in individuals affected with MOCOS-related conditions. ClinVar contains an entry for this variant (Variation ID: 2058957). An algorithm developed to predict the effect of missense changes on protein structure and function (PolyPhen-2) suggests that this variant is likely to be tolerated. In summary, the available evidence is currently insufficient to determine the role of this variant in disease. Therefore, it has been classified as a Variant of Uncertain Significance.

NM_017947.4(MOCOS):c.47C>T (p.Ala16Val)

Gene: MOCOS (molybdenum cofactor sulfurase; plus strand). Cytogenetic location: 18q12.2.
Variant type: single nucleotide variant.
Coding change: c.47C>T on transcript NM_017947.4 (MANE Select); coding-DNA position 47, C replaced by T.
Protein change: p.Ala16Val; replaces alanine 16 with valine.
Molecular consequence: missense variant.
Genome position (GRCh38, 1-based): chr18:36,187,586, C>T. VCF-style: chr18-36187586-C-T. GRCh37 (hg19) VCF-style: chr18-33767549-C-T.
Other names: c.47C>T (NM_017947.2); short protein forms A16V.
Identifiers: ClinVar variation 2058957 (VCV002058957.5), dbSNP rs748966814, ClinGen allele CA8940305.
Genomic context (GRCh38, chr18:36,187,586, plus strand): 5'-GACTAGCCGGGGCCATGGCCGGCGCGGCGGCGGAGTCAGGGCGGGAGCTGTGGACCTTCG[C>T]GGGTTCCCGGGACCCGAGCGCACCGCGGCTAGCCTACGGCTACGGCCCGGGCAGCCTGCG-3'
Protein context (NP_060417.4, residues 6-26): AESGRELWTF[Ala16Val]GSRDPSAPRL